The following is an entry in ClinVar:

NM_000875.5(IGF1R):c.856C>G (p.Leu286Val)

Gene: IGF1R (insulin like growth factor 1 receptor; plus strand). Cytogenetic location: 15q26.3.
Variant type: single nucleotide variant.
Coding change: c.856C>G on transcript NM_000875.5 (MANE Select); coding-DNA position 856, C replaced by G.
Protein change: p.Leu286Val; replaces leucine 286 with valine.
Molecular consequence: missense variant.
Genome position (GRCh38, 1-based): chr15:98,891,540, C>G. VCF-style: chr15-98891540-C-G. GRCh37 (hg19) VCF-style: chr15-99434769-C-G.
Other names: c.856C>G, p.Leu286Val (NM_001291858.2); short protein forms L286V.
Identifiers: ClinVar variation 3618736 (VCV003618736.2).

ClinVar aggregate classification (germline): Uncertain significance (1 of 4 stars; one submission).

gnomAD v4.1: 13 of 1,612,208 alleles (0.00081%); highest among the groups gnomAD compares: African/African-American, 0.0013%; no homozygotes.

Submission:

Labcorp Genetics (formerly Invitae), Labcorp
Classification: Uncertain significance. Last evaluated: 2024-11-14. Review status: criteria provided, single submitter. Criteria: Invitae Variant Classification Sherloc (09022015). Collection method: clinical testing. Allele origin: germline.
Comment: This sequence change replaces leucine, which is neutral and non-polar, with valine, which is neutral and non-polar, at codon 286 of the IGF1R protein (p.Leu286Val). This variant is not present in population databases (gnomAD no frequency). This variant has not been reported in the literature in individuals affected with IGF1R-related conditions. Invitae Evidence Modeling of protein sequence and biophysical properties (such as structural, functional, and spatial information, amino acid conservation, physicochemical variation, residue mobility, and thermodynamic stability) indicates that this missense variant is not expected to disrupt IGF1R protein function with a negative predictive value of 80%. In summary, the available evidence is currently insufficient to determine the role of this variant in disease. Therefore, it has been classified as a Variant of Uncertain Significance.